The following is an entry in ClinVar:

ClinVar aggregate classification (germline): Likely benign. Review status: criteria provided, single submitter (1 of 4 stars). 2 submissions from 2 submitters: Likely benign (1). 1 of the submissions does not count toward it. Last evaluated 2024-12-05.

Conditions:
BAAT-related disorder. Also called: BAAT-related condition.

Allele frequency attached by ClinVar (database versions not stated): ExAC 0.00002; ESP Exome Variant Server 0.00008; gnomAD exomes 0.00003; gnomAD 0.00004; TOPMed 0.00003.
gnomAD v4.1: 46 of 1,613,900 alleles (0.0029%); highest among the groups gnomAD compares: Non-Finnish European, 0.00085%; no homozygotes.

Submissions (2):

Mayo Clinic Laboratories, Mayo Clinic
Classification: Likely benign. Last evaluated: 2024-12-05. Review status: criteria provided, single submitter. Criteria: ACMG Guidelines, 2015. Collection method: clinical testing. Allele origin: germline. Observed: 1 variant allele.
Comment: BP4, BP7

PreventionGenetics, part of Exact Sciences
Classification: Likely benign for BAAT-related condition. Last evaluated: 2021-12-10. Review status: no assertion criteria provided. Collection method: clinical testing. Allele origin: germline. Not counted in ClinVar's aggregate classification.
Comment: This variant is classified as likely benign based on ACMG/AMP sequence variant interpretation guidelines (Richards et al. 2015 PMID: 25741868, with internal and published modifications).

NM_001701.4(BAAT):c.711A>G (p.Gly237=)

Gene: BAAT (bile acid-CoA:amino acid N-acyltransferase; minus strand). Cytogenetic location: 9q31.1.
Variant type: single nucleotide variant.
Coding change: c.711A>G on transcript NM_001701.4 (MANE Select); coding-DNA position 711, A replaced by G.
Protein change: p.Gly237=; no amino-acid change (glycine 237 retained).
Molecular consequence: synonymous variant.
Genome position (GRCh38, 1-based): chr9:101,362,974, T>C on the plus strand (A>G on the coding strand, the complement: BAAT is on the minus strand). VCF-style: chr9-101362974-T-C. GRCh37 (hg19) VCF-style: chr9-104125256-T-C.
Other names: p.Gly237=; c.711A>G, p.Gly237= (NM_001127610.2, NM_001374715.1).
Identifiers: ClinVar variation 3061529 (VCV003061529.3), dbSNP rs369978470, ClinGen allele CA5160645.
Genomic context (GRCh38, chr9:101,362,974, plus strand): 5'-AATAAGTACCGTGGCTGTGACTTGCTTTAGGTAAATAGCCATAGATAGTCCAATCTGTAC[T>C]CCTTGACATACAGAGACTACCCCAACGCCTGAGCCAAAGACCTGAAAAAAATAATAGAAA-3'
Protein context (NP_001692.1, residues 227-247): SGVGVVSVCQ[Gly237=]VQIGLSMAIY